The following is an entry in ClinVar:

ClinVar aggregate classification (germline): Pathogenic. Review status: criteria provided, multiple submitters, no conflicts (2 of 4 stars). 4 submissions from 4 submitters: Pathogenic (4). Last evaluated 2024-04-22.

Conditions:
BARD1-related disorder. Also called: BARD1-related condition.
Hereditary cancer-predisposing syndrome. Also called: Neoplastic Syndromes, Hereditary; Hereditary Cancer Syndrome; Hereditary neoplastic syndrome; Tumor predisposition. Identifiers: Orphanet 140162, MedGen C0027672, MeSH D009386, MONDO:0015356.
Familial cancer of breast. Also called: BREAST CANCER, FAMILIAL; hereditary breast carcinoma; Hereditary breast cancer. Identifiers: Orphanet 227535, MedGen C0346153, MONDO:0016419, OMIM 114480. Disease mechanism: loss of function.

Submissions (4):

Labcorp Genetics (formerly Invitae), Labcorp
Classification: Pathogenic for Familial cancer of breast. Last evaluated: 2024-04-22. Review status: criteria provided, single submitter. Criteria: Invitae Variant Classification Sherloc (09022015). Collection method: clinical testing. Allele origin: germline.
Comment: This sequence change creates a premature translational stop signal (p.Gln216Lysfs*5) in the BARD1 gene. It is expected to result in an absent or disrupted protein product. Loss-of-function variants in BARD1 are known to be pathogenic (PMID: 20077502, 21344236). This variant is not present in population databases (gnomAD no frequency). This variant has not been reported in the literature in individuals affected with BARD1-related conditions. ClinVar contains an entry for this variant (Variation ID: 479171). For these reasons, this variant has been classified as Pathogenic.

Ambry Genetics
Classification: Pathogenic for Hereditary cancer-predisposing syndrome. Last evaluated: 2024-04-04. Review status: criteria provided, single submitter. Criteria: Ambry Variant Classification Scheme 2023. Collection method: clinical testing. Allele origin: germline.
Comment: The c.646delC pathogenic mutation, located in coding exon 4 of the BARD1 gene, results from a deletion of one nucleotide at nucleotide position 646, causing a translational frameshift with a predicted alternate stop codon (p.Q216Kfs*5). This alteration is expected to result in loss of function by premature protein truncation or nonsense-mediated mRNA decay. As such, this alteration is interpreted as a disease-causing mutation.

Myriad Genetics, Inc.
Classification: Pathogenic for Familial cancer of breast. Last evaluated: 2023-04-19. Review status: criteria provided, single submitter. Criteria: Myriad Autosomal Dominant, Autosomal Recessive and X-Linked Classification Criteria (2023). Collection method: clinical testing. Allele origin: unknown.
Comment: This variant is considered pathogenic. This variant creates a frameshift predicted to result in premature protein truncation.

PreventionGenetics, part of Exact Sciences
Classification: Pathogenic for BARD1-related condition. Last evaluated: 2023-03-27. Review status: criteria provided, single submitter. Criteria: ACMG Guidelines, 2015. Collection method: clinical testing. Allele origin: germline.
Comment: The BARD1 c.646delC variant is predicted to result in a frameshift and premature protein termination (p.Gln216Lysfs*5). To our knowledge, this variant has not been reported in the literature not has it been reported in a large population database, indicating this variant is rare. This variant is also reported as pathogenic in ClinVar. Frameshift variants in BARD1 are expected to be pathogenic. This variant is interpreted as pathogenic.

Literature cited by the submitters: PubMed 20077502 (cited by Labcorp Genetics (formerly Invitae), Labcorp); PubMed 21344236 (cited by Labcorp Genetics (formerly Invitae), Labcorp).

NM_000465.4(BARD1):c.646del (p.Gln216fs)

Gene: BARD1 (BRCA1 associated RING domain 1; minus strand). Cytogenetic location: 2q35.
Variant type: Deletion.
Coding change: c.646del on transcript NM_000465.4 (MANE Select); coding-DNA position 646, one base deleted (C; older notation c.646delC).
Protein change: p.Gln216fs; shifts the reading frame from glutamine 216.
Molecular consequence: frameshift variant. On other transcripts: non-coding transcript variant (2), intron variant (3).
Genome position (GRCh38, 1-based): chr2:214,781,228, G deleted on the plus strand (C on the coding strand, the reverse complement: BARD1 is on the minus strand); the first of 2 consecutive G bases (chr2:214,781,228-214,781,229); deleting either gives the same sequence. VCF-style (leftmost placement, unchanged base first): chr2-214781227-TG-T. GRCh37 (hg19) VCF-style: chr2-215645951-TG-T.
Other names: c.589del, p.Gln197fs (NM_001282543.2); c.158+28184del (NM_001282548.2); c.215+15833del (NM_001282545.2); c.364+11069del (NM_001282549.2); short protein forms Q197fs, Q216fs.
Identifiers: ClinVar variation 479171 (VCV000479171.16), dbSNP rs1553622542, ClinGen allele CA658657209.